The following is an entry in ClinVar:

ClinVar aggregate classification (germline): Benign. Review status: criteria provided, multiple submitters, no conflicts (2 of 4 stars). 3 submissions from 3 submitters: Benign (2). 1 of the submissions does not count toward it. Last evaluated 2018-03-01.

Conditions:
TNS1-related disorder. Also called: TNS1-related condition.

Allele frequency attached by ClinVar (database versions not stated): gnomAD exomes 0.00276 and 0.00632; ExAC 0.00766; gnomAD 0.01565 and 0.01634; TOPMed 0.01713; ESP Exome Variant Server 0.01715; 1000 Genomes Project 30x 0.01921; 1000 Genomes Project 0.01957.
gnomAD v4.1: 6,573 of 1,609,302 alleles (0.41%); highest among the groups gnomAD compares: African/African-American, 5.3%; 146 homozygotes.

Submissions (3):

Labcorp Genetics (formerly Invitae), Labcorp
Classification: Benign. Last evaluated: 2018-03-01. Review status: criteria provided, single submitter. Criteria: Invitae Variant Classification Sherloc (09022015). Collection method: clinical testing. Allele origin: germline.

Breakthrough Genomics
Classification: Benign. Review status: criteria provided, single submitter. Criteria: ACMG Guidelines, 2015. Collection method: not provided. Allele origin: germline. Inheritance: Unknown mechanism. Affected: yes.

PreventionGenetics, part of Exact Sciences
Classification: Benign for TNS1-related condition. Last evaluated: 2019-03-06. Review status: no assertion criteria provided. Collection method: clinical testing. Allele origin: germline. Not counted in ClinVar's aggregate classification.
Comment: This variant is classified as benign based on ACMG/AMP sequence variant interpretation guidelines (Richards et al. 2015 PMID: 25741868, with internal and published modifications).

NM_001387777.1(TNS1):c.391A>G (p.Thr131Ala)

Gene: TNS1 (tensin 1; minus strand). Cytogenetic location: 2q35.
Variant type: single nucleotide variant.
Coding change: c.391A>G on transcript NM_001387777.1 (MANE Select); coding-DNA position 391, A replaced by G.
Protein change: p.Thr131Ala; replaces threonine 131 with alanine.
Molecular consequence: missense variant.
Genome position (GRCh38, 1-based): chr2:217,897,950, T>C on the plus strand (A>G on the coding strand, the complement: TNS1 is on the minus strand). VCF-style: chr2-217897950-T-C. GRCh37 (hg19) VCF-style: chr2-218762673-T-C.
Other names: c.16A>G, p.Thr6Ala (NM_001308022.2, NM_001308023.2, NM_022648.7); short protein forms T6A, T131A.
Identifiers: ClinVar variation 775813 (VCV000775813.6), dbSNP rs113181713, ClinGen allele CA2100939.